The following is an entry in ClinVar:

ClinVar aggregate classification (germline): Uncertain significance (1 of 4 stars; one submission).

Allele frequency attached by ClinVar (database versions not stated): gnomAD exomes below 0.00001; ExAC 0.00001; TOPMed 0.00002.

Submission:

Labcorp Genetics (formerly Invitae), Labcorp
Classification: Uncertain significance. Last evaluated: 2023-08-06. Review status: criteria provided, single submitter. Criteria: Invitae Variant Classification Sherloc (09022015). Collection method: clinical testing. Allele origin: germline.
Comment: This sequence change replaces glutamine, which is neutral and polar, with glutamic acid, which is acidic and polar, at codon 677 of the VCAN protein (p.Gln677Glu). This variant is present in population databases (rs760441397, gnomAD 0.0009%). This variant has not been reported in the literature in individuals affected with VCAN-related conditions. ClinVar contains an entry for this variant (Variation ID: 960886). Algorithms developed to predict the effect of missense changes on protein structure and function output the following: SIFT: "Not Available"; PolyPhen-2: "Benign"; Align-GVGD: "Not Available". The glutamic acid amino acid residue is found in multiple mammalian species, which suggests that this missense change does not adversely affect protein function. In summary, the available evidence is currently insufficient to determine the role of this variant in disease. Therefore, it has been classified as a Variant of Uncertain Significance.

NM_004385.5(VCAN):c.2029C>G (p.Gln677Glu)

Gene: VCAN (versican; plus strand). Cytogenetic location: 5q14.3.
Variant type: single nucleotide variant.
Coding change: c.2029C>G on transcript NM_004385.5 (MANE Select); coding-DNA position 2029, C replaced by G.
Protein change: p.Gln677Glu; replaces glutamine 677 with glutamic acid.
Molecular consequence: missense variant. On other transcripts: intron variant (2).
Genome position (GRCh38, 1-based): chr5:83,520,335, C>G. VCF-style: chr5-83520335-C-G. GRCh37 (hg19) VCF-style: chr5-82816154-C-G.
Other names: c.2029C>G, p.Gln677Glu (NM_001164098.2); c.1042+7939C>G (NM_001164097.2, NM_001126336.3); short protein forms Q677E.
Identifiers: ClinVar variation 960886 (VCV000960886.9), dbSNP rs760441397, ClinGen allele CA3332771.
Genomic context (GRCh38, chr5:83,520,335, plus strand): 5'-CCTTATTCTGGTGATAAAATATTAGTAGAGGGAATTTCCACAGTTATTTATCCTTCTCTA[C>G]AAACAGAAATGACACATAGAAGAGAAAGAACAGAAACACTAATACCAGAGATGAGAACAG-3'
Protein context (NP_004376.2, residues 667-687): GISTVIYPSL[Gln677Glu]TEMTHRRERT